The following is an entry in ClinVar:

NM_022369.4(STRA6):c.1273G>C (p.Ala425Pro)

Gene: STRA6 (signaling receptor and transporter of retinol STRA6; minus strand). Cytogenetic location: 15q24.1.
Variant type: single nucleotide variant.
Coding change: c.1273G>C on transcript NM_022369.4 (MANE Select); coding-DNA position 1273, G replaced by C.
Protein change: p.Ala425Pro; replaces alanine 425 with proline.
Molecular consequence: missense variant.
Genome position (GRCh38, 1-based): chr15:74,183,883, C>G on the plus strand (G>C on the coding strand, the complement: STRA6 is on the minus strand). VCF-style: chr15-74183883-C-G. GRCh37 (hg19) VCF-style: chr15-74476224-C-G.
Other names: c.1273G>C, p.Ala425Pro (NM_001142617.2, NM_001142618.2, NM_001437994.1); c.1246G>C, p.Ala416Pro (NM_001142619.2); c.1384G>C, p.Ala462Pro (NM_001199040.2); c.1318G>C, p.Ala440Pro (NM_001199041.2); c.1390G>C, p.Ala464Pro (NM_001199042.2); short protein forms A425P, A416P, A440P, A462P, A464P.
Identifiers: ClinVar variation 4998283 (VCV004998283.1).

ClinVar aggregate classification (germline): Uncertain significance (1 of 4 stars; one submission).

Conditions:
STRA6-related disorder. Also called: STRA6-related condition.

Submission:

PreventionGenetics, part of Exact Sciences
Classification: Uncertain significance for STRA6-related condition. Last evaluated: 2025-07-16. Review status: criteria provided, single submitter. Criteria: ACMG Guidelines, 2015. Collection method: clinical testing. Allele origin: germline.
Comment: The STRA6 c.1273G>C variant is predicted to result in the amino acid substitution p.Ala425Pro. To our knowledge, this variant has not been reported in the literature. This variant is absent in a large population database (gnomAD), indicating this variant is rare. At this time, the clinical significance of this variant is uncertain due to the absence of conclusive functional and genetic evidence.